The following is an entry in ClinVar:

ClinVar aggregate classification (germline): Uncertain significance. Review status: criteria provided, multiple submitters, no conflicts (2 of 4 stars). 4 submissions from 4 submitters: Uncertain significance (4). Last evaluated 2025-04-24.

Conditions:
Blau syndrome (BLAUS). Also called: ARTHROCUTANEOUVEAL GRANULOMATOSIS; GRANULOMATOSIS, FAMILIAL JUVENILE SYSTEMIC; GRANULOMATOSIS, FAMILIAL, BLAU TYPE; GRANULOMATOUS INFLAMMATORY ARTHRITIS, DERMATITIS, AND UVEITIS, FAMILIAL; JABS SYNDROME. Identifiers: Orphanet 90340, MedGen C5201146, MONDO:0008523, OMIM 186580.
Regional enteritis. Also called: Enteritis, Granulomatous. Identifiers: MedGen C0678202, MeSH D003424.
Inborn genetic diseases. Identifiers: MedGen C0950123, MeSH D030342.

Allele frequency attached by ClinVar (database versions not stated): gnomAD 0.00001; TOPMed 0.00002.
gnomAD v4.1: 46 of 1,613,852 alleles (0.0029%); highest among the groups gnomAD compares: Middle Eastern, 0.016%; no homozygotes.

Submissions (4):

Labcorp Genetics (formerly Invitae), Labcorp
Classification: Uncertain significance for Regional enteritis; Blau syndrome. Last evaluated: 2025-04-24. Review status: criteria provided, single submitter. Criteria: Invitae Variant Classification Sherloc (09022015). Collection method: clinical testing. Allele origin: germline.
Comment: This sequence change replaces arginine, which is basic and polar, with tryptophan, which is neutral and slightly polar, at codon 753 of the NOD2 protein (p.Arg753Trp). This variant is present in population databases (rs749720540, gnomAD 0.02%). This variant has not been reported in the literature in individuals affected with NOD2-related conditions. ClinVar contains an entry for this variant (Variation ID: 808040). Invitae Evidence Modeling of protein sequence and biophysical properties (such as structural, functional, and spatial information, amino acid conservation, physicochemical variation, residue mobility, and thermodynamic stability) indicates that this missense variant is not expected to disrupt NOD2 protein function with a negative predictive value of 95%. In summary, the available evidence is currently insufficient to determine the role of this variant in disease. Therefore, it has been classified as a Variant of Uncertain Significance.

Blueprint Genetics
Classification: Uncertain significance. Last evaluated: 2024-06-18. Review status: criteria provided, single submitter. Criteria: ACMG Guidelines, 2015. Collection method: clinical testing. Allele origin: germline.

Ambry Genetics
Classification: Uncertain significance for Inborn genetic diseases. Last evaluated: 2022-06-06. Review status: criteria provided, single submitter. Criteria: Ambry Variant Classification Scheme 2023. Collection method: clinical testing. Allele origin: germline.

CeGaT Center for Human Genetics Tuebingen
Classification: Uncertain significance. Last evaluated: 2018-10-01. Review status: criteria provided, single submitter. Criteria: CeGaT Center For Human Genetics Tuebingen Variant Classification Criteria Version 2. Collection method: clinical testing. Allele origin: germline. Affected: yes. Observed: 1 variant allele.

NM_001370466.1(NOD2):c.2176C>T (p.Arg726Trp)

Gene: NOD2 (nucleotide binding oligomerization domain containing 2; plus strand). Cytogenetic location: 16q12.1.
Variant type: single nucleotide variant.
Coding change: c.2176C>T on transcript NM_001370466.1 (MANE Select); coding-DNA position 2176, C replaced by T.
Protein change: p.Arg726Trp; replaces arginine 726 with tryptophan.
Molecular consequence: missense variant. On other transcripts: non-coding transcript variant (1).
Genome position (GRCh38, 1-based): chr16:50,712,168, C>T. VCF-style: chr16-50712168-C-T. GRCh37 (hg19) VCF-style: chr16-50746079-C-T.
Other names: c.2176C>T, p.Arg726Trp (NM_001293557.2); c.2257C>T, p.Arg753Trp (NM_022162.3); c.2257C>T (NM_022162.1); short protein forms R753W, R726W.
Identifiers: ClinVar variation 808040 (VCV000808040.50), dbSNP rs749720540, ClinGen allele CA8051741.